The following is an entry in ClinVar:

ClinVar aggregate classification (germline): Uncertain significance (1 of 4 stars; one submission).

Conditions:
Catecholaminergic polymorphic ventricular tachycardia (CVPT). Also called: Catecholamine-induced polymorphic ventricular tachycardia. Identifiers: Orphanet 3286, MedGen C5574922, MONDO:0017990.

Submission:

All of Us Research Program, National Institutes of Health
Classification: Uncertain significance for Catecholaminergic polymorphic ventricular tachycardia. Last evaluated: 2023-12-13. Review status: criteria provided, single submitter. Criteria: ACMG Guidelines, 2015. Collection method: clinical testing. Allele origin: germline. Inheritance: Autosomal dominant inheritance. Observed: 1 variant allele, 1 heterozygote.
Comment: This variant deletes 1 nucleotide in exon 36 of the RYR2 gene, creating a frameshift and premature translation stop signal. This variant is expected to result in an absent or non-functional protein product. To our knowledge, this variant has not been reported in individuals affected with RYR2-related disorders in the literature. This variant has not been identified in the general population by the Genome Aggregation Database (gnomAD). Clinical relevance of loss-of-function RYR2 variants in autosomal dominant cardiovascular disorders is not clearly established. The available evidence is insufficient to determine the role of this variant in disease conclusively. Therefore, this variant is classified as a Variant of Uncertain Significance.

This study involves interpretation of variants in research participants for the purpose of population health screening. Participant phenotype was not available at the time of variant classification. Additional details can be found in publication PMID: 35346344, PMCID: PMC8962531

NM_001035.3(RYR2):c.4887del (p.Leu1630fs)

Gene: RYR2 (ryanodine receptor 2; plus strand). Cytogenetic location: 1q43.
Variant type: Deletion.
Coding change: c.4887del on transcript NM_001035.3 (MANE Select); coding-DNA position 4887, one base deleted (T; older notation c.4887delT).
Protein change: p.Leu1630fs; shifts the reading frame from leucine 1630.
Molecular consequence: frameshift variant.
Genome position (GRCh38, 1-based): chr1:237,610,965, T deleted. VCF-style (leftmost placement, unchanged base first): chr1-237610964-CT-C. GRCh37 (hg19) VCF-style: chr1-237774264-CT-C.
Other names: short protein forms L1630fs.
Identifiers: ClinVar variation 3074920 (VCV003074920.1), dbSNP rs2546768293, ClinGen allele CA2825000931.